The following is an entry in ClinVar:

NM_001042492.3(NF1):c.7226C>G (p.Thr2409Arg)

Gene: NF1 (neurofibromin 1; plus strand). Cytogenetic location: 17q11.2.
Variant type: single nucleotide variant.
Coding change: c.7226C>G on transcript NM_001042492.3 (MANE Select); coding-DNA position 7226, C replaced by G.
Protein change: p.Thr2409Arg; replaces threonine 2409 with arginine.
Molecular consequence: missense variant.
Genome position (GRCh38, 1-based): chr17:31,349,156, C>G. VCF-style: chr17-31349156-C-G. GRCh37 (hg19) VCF-style: chr17-29676174-C-G.
Other names: c.7163C>G, p.Thr2388Arg (NM_000267.4); short protein forms T2388R, T2409R.
Identifiers: ClinVar variation 2832049 (VCV002832049.3), dbSNP rs1597858415, ClinGen allele CA399016726.

ClinVar aggregate classification (germline): Likely pathogenic (1 of 4 stars; one submission).

Conditions:
Neurofibromatosis, type 1 (NF1). Also called: VON RECKLINGHAUSEN DISEASE; NEUROFIBROMATOSIS, TYPE I, SOMATIC; Neurofibromatosis, type I; Peripheral type neurofibromatosis. Identifiers: Orphanet 636, MedGen C0027831, MONDO:0018975, OMIM 162200. Disease mechanism: loss of function.

Submission:

Labcorp Genetics (formerly Invitae), Labcorp
Classification: Likely pathogenic for Neurofibromatosis, type 1. Last evaluated: 2023-08-04. Review status: criteria provided, single submitter. Criteria: Invitae Variant Classification Sherloc (09022015). Collection method: clinical testing. Allele origin: germline.
Comment: In summary, the currently available evidence indicates that the variant is pathogenic, but additional data are needed to prove that conclusively. Therefore, this variant has been classified as Likely Pathogenic. Advanced modeling of protein sequence and biophysical properties (such as structural, functional, and spatial information, amino acid conservation, physicochemical variation, residue mobility, and thermodynamic stability) performed at Invitae indicates that this missense variant is expected to disrupt NF1 protein function. This missense change has been observed in individual(s) with clinical features of neurofibromatosis, type 1 (Invitae). This variant is not present in population databases (gnomAD no frequency). This sequence change replaces threonine, which is neutral and polar, with arginine, which is basic and polar, at codon 2388 of the NF1 protein (p.Thr2388Arg).